The following is an entry in ClinVar:

ClinVar aggregate classification (germline): Uncertain significance (1 of 4 stars; one submission).

Allele frequency attached by ClinVar (database versions not stated): TOPMed below 0.00001; gnomAD 0.00001.
gnomAD v4.1: 3 of 1,614,010 alleles (0.00019%); highest among the groups gnomAD compares: Non-Finnish European, 0.00025%; no homozygotes.

Submission:

GeneDx
Classification: Uncertain significance. Last evaluated: 2026-09-29. Review status: criteria provided, single submitter. Criteria: GeneDx Variant Classification Process June 2021. Collection method: clinical testing. Allele origin: germline.
Comment: Not observed at significant frequency in large population cohorts (gnomAD); In silico analysis supports that this missense variant has a deleterious effect on protein structure/function; Has not been previously published as pathogenic or benign to our knowledge

NM_021830.5(TWNK):c.338G>C (p.Cys113Ser)

Gene: TWNK (twinkle mtDNA helicase; plus strand). Cytogenetic location: 10q24.31.
Variant type: single nucleotide variant.
Coding change: c.338G>C on transcript NM_021830.5 (MANE Select); coding-DNA position 338, G replaced by C.
Protein change: p.Cys113Ser; replaces cysteine 113 with serine.
Molecular consequence: missense variant. On other transcripts: non-coding transcript variant (4), intron variant (3).
Genome position (GRCh38, 1-based): chr10:100,988,548, G>C. VCF-style: chr10-100988548-G-C. GRCh37 (hg19) VCF-style: chr10-102748305-G-C.
Other names: p.C113S:TGC>TCC; c.338G>C, p.Cys113Ser (NM_001163812.2); c.-120+935G>C (NM_001163814.2, NM_001163813.2); c.-58+935G>C (NM_001368275.1); short protein forms C113S.
Identifiers: ClinVar variation 214181 (VCV000214181.4), dbSNP rs863223917, ClinGen allele CA320131.